The following is an entry in ClinVar:

NM_000038.6(APC):c.4043G>T (p.Arg1348Met)

Gene: APC (APC regulator of Wnt signaling pathway; plus strand). Cytogenetic location: 5q22.2.
Variant type: single nucleotide variant.
Coding change: c.4043G>T on transcript NM_000038.6 (MANE Select); coding-DNA position 4043, G replaced by T.
Protein change: p.Arg1348Met; replaces arginine 1348 with methionine.
Molecular consequence: missense variant. On other transcripts: non-coding transcript variant (2).
Genome position (GRCh38, 1-based): chr5:112,839,637, G>T. VCF-style: chr5-112839637-G-T. GRCh37 (hg19) VCF-style: chr5-112175334-G-T.
Other names: c.3794G>T, p.Arg1265Met (NM_001407457.1, NM_001407454.1, NM_001407455.1 and 1 more transcripts); c.3740G>T, p.Arg1247Met (NM_001407458.1, NM_001407459.1, NM_001407460.1 and 1 more transcripts); c.3656G>T, p.Arg1219Met (NM_001407467.1, NM_001407469.1); c.3194G>T, p.Arg1065Met (NM_001407470.1, NM_001354906.2); c.2891G>T, p.Arg964Met (NM_001407471.1, NM_001407472.1); c.4043G>T, p.Arg1348Met (NM_001127510.3, NM_001354895.2, NM_001407450.1); c.3989G>T, p.Arg1330Met (NM_001127511.3); c.4097G>T, p.Arg1366Met (NM_001354896.2, NM_001407447.1, NM_001407448.1 and 1 more transcripts); and 11 more; short protein forms R1247M, R1307M, R1323M, R1376M, R1265M, R1358M, R964M, R1219M.
Identifiers: ClinVar variation 5025464 (VCV005025464.1).
Genomic context (GRCh38, chr5:112,839,637, plus strand): 5'-AGCACCCTAGAACCAAATCCAGCAGACTGCAGGGTTCTAGTTTATCTTCAGAATCAGCCA[G>T]GCACAAAGCTGTTGAATTTTCTTCAGGAGCGAAATCTCCCTCCAAAAGTGGTGCTCAGAC-3'
Protein context (NP_000029.2, residues 1338-1358): QGSSLSSESA[Arg1348Met]HKAVEFSSGA

ClinVar aggregate classification (germline): Uncertain significance (1 of 4 stars; one submission).

Conditions:
Hereditary cancer-predisposing syndrome. Also called: Neoplastic Syndromes, Hereditary; Tumor predisposition; Hereditary neoplastic syndrome; Hereditary Cancer Syndrome. Identifiers: Orphanet 140162, MedGen C0027672, MeSH D009386, MONDO:0015356.

Submission:

Ambry Genetics
Classification: Uncertain significance for Hereditary cancer-predisposing syndrome. Last evaluated: 2026-07-19. Review status: criteria provided, single submitter. Criteria: Ambry Variant Classification Scheme 2023. Collection method: clinical testing. Allele origin: germline.
Comment: The p.R1348M variant (also known as c.4043G>T), located in coding exon 15 of the APC gene, results from a G to T substitution at nucleotide position 4043. The arginine at codon 1348 is replaced by methionine, an amino acid with similar properties. This amino acid position is conserved. In addition, in silico predictors for this gene do not accurately predict pathogenicity. Based on the available evidence, the clinical significance of this variant remains unclear.